The following is an entry in ClinVar:

NM_001365951.3(KIF1B):c.4958C>T (p.Ala1653Val)

Gene: KIF1B (kinesin family member 1B; plus strand). Cytogenetic location: 1p36.22.
Variant type: single nucleotide variant.
Coding change: c.4958C>T on transcript NM_001365951.3 (MANE Select); coding-DNA position 4958, C replaced by T.
Protein change: p.Ala1653Val; replaces alanine 1653 with valine.
Molecular consequence: missense variant.
Genome position (GRCh38, 1-based): chr1:10,374,327, C>T. VCF-style: chr1-10374327-C-T. GRCh37 (hg19) VCF-style: chr1-10434385-C-T.
Other names: c.4958C>T, p.Ala1653Val (NM_001365952.1); c.4820C>T, p.Ala1607Val (NM_015074.3); short protein forms A1653V, A1607V.
Identifiers: ClinVar variation 1743360 (VCV001743360.2), dbSNP rs2521977096, ClinGen allele CA338328588.

ClinVar aggregate classification (germline): Uncertain significance (1 of 4 stars; one submission).

Submission:

Ambry Genetics
Classification: Uncertain significance. Last evaluated: 2021-06-23. Review status: criteria provided, single submitter. Criteria: Ambry Variant Classification Scheme 2023. Collection method: clinical testing. Allele origin: germline.
Comment: The p.A1607V variant (also known as c.4820C>T), located in coding exon 43 of the KIF1B gene, results from a C to T substitution at nucleotide position 4820. The alanine at codon 1607 is replaced by valine, an amino acid with similar properties. This amino acid position is conserved. In addition, this alteration is predicted to be tolerated by in silico analysis. Since supporting evidence is limited at this time, the clinical significance of this alteration remains unclear.